The following is an entry in ClinVar:

NM_004446.3(EPRS1):c.2793T>G (p.Ala931=)

Gene: EPRS1 (glutamyl-prolyl-tRNA synthetase 1; minus strand). Cytogenetic location: 1q41.
Variant type: single nucleotide variant.
Coding change: c.2793T>G on transcript NM_004446.3 (MANE Select); coding-DNA position 2793, T replaced by G.
Protein change: p.Ala931=; no amino-acid change (alanine 931 retained).
Molecular consequence: synonymous variant.
Genome position (GRCh38, 1-based): chr1:219,987,387, A>C on the plus strand (T>G on the coding strand, the complement: EPRS1 is on the minus strand). VCF-style: chr1-219987387-A-C. GRCh37 (hg19) VCF-style: chr1-220160729-A-C.
Identifiers: ClinVar variation 4940657 (VCV004940657.2).

ClinVar aggregate classification (germline): Likely benign. Review status: criteria provided, multiple submitters, no conflicts (2 of 4 stars). 2 submissions from 2 submitters: Likely benign (2). Last evaluated 2026-08-01.

gnomAD v4.1: 104 of 1,603,792 alleles (0.0065%); highest among the groups gnomAD compares: Non-Finnish European, 0.0082%; no homozygotes.

Submissions (2):

CeGaT Center for Human Genetics Tuebingen
Classification: Likely benign. Last evaluated: 2026-08-01. Review status: criteria provided, single submitter. Criteria: CeGaT Center For Human Genetics Tuebingen Variant Classification Criteria Version 2. Collection method: clinical testing. Allele origin: germline. Affected: yes. Observed: 1 variant allele.
Comment: EPRS1: BP4, BP7

Blueprint Genetics
Classification: Likely benign. Last evaluated: 2024-11-11. Review status: criteria provided, single submitter. Criteria: ACMG Guidelines, 2015. Collection method: clinical testing. Allele origin: germline.